The following is an entry in ClinVar:

ClinVar aggregate classification (germline): Uncertain significance. Review status: criteria provided, multiple submitters, no conflicts (2 of 4 stars). 3 submissions from 3 submitters: Uncertain significance (3). Last evaluated 2024-04-12.

Conditions:
Acrocallosal syndrome (ACLS). Also called: Schinzel syndrome 1; Absence of corpus callosum with unusual facial appearance, mental deficiency, duplication of the halluces and polydactyly; HALLUX DUPLICATION, POSTAXIAL POLYDACTYLY, AND ABSENCE OF CORPUS CALLOSUM. Identifiers: Orphanet 36, MedGen C0796147, MONDO:0008708, OMIM 200990.
Multiple epiphyseal dysplasia, Al-Gazali type. Also called: Macrocephaly with multiple epiphyseal dysplasia and distinctive facies. Identifiers: Orphanet 166024, MedGen C1846722, MONDO:0011778, OMIM 607131.
Hydrolethalus syndrome 2 (HLS2). Identifiers: Orphanet 2189, MedGen C3279899, MONDO:0013585, OMIM 614120.

Allele frequency attached by ClinVar (database versions not stated): gnomAD 0.00001; gnomAD exomes 0.00001; TOPMed 0.00002; 1000 Genomes Project 30x 0.00031.
gnomAD v4.1: 4 of 1,536,060 alleles (0.00026%); highest among the groups gnomAD compares: Admixed American, 0.0078%; no homozygotes.

Submissions (3):

GeneDx
Classification: Uncertain significance. Last evaluated: 2024-04-12. Review status: criteria provided, single submitter. Criteria: GeneDx Variant Classification Process June 2021. Collection method: clinical testing. Allele origin: germline. Affected: yes.
Comment: Not observed at significant frequency in large population cohorts (gnomAD); In silico analysis supports that this missense variant has a deleterious effect on protein structure/function; Has not been previously published as pathogenic or benign to our knowledge

Fulgent Genetics
Classification: Uncertain significance for Acrocallosal syndrome; Multiple epiphyseal dysplasia, Al-Gazali type; Hydrolethalus syndrome 2. Last evaluated: 2024-01-22. Review status: criteria provided, single submitter. Criteria: ACMG Guidelines, 2015. Collection method: clinical testing. Allele origin: germline.

Labcorp Genetics (formerly Invitae), Labcorp
Classification: Uncertain significance for Acrocallosal syndrome. Last evaluated: 2022-08-16. Review status: criteria provided, single submitter. Criteria: Invitae Variant Classification Sherloc (09022015). Collection method: clinical testing. Allele origin: germline.
Comment: This sequence change replaces valine, which is neutral and non-polar, with alanine, which is neutral and non-polar, at codon 321 of the KIF7 protein (p.Val321Ala). This variant is present in population databases (no rsID available, gnomAD 0.004%). This variant has not been reported in the literature in individuals affected with KIF7-related conditions. ClinVar contains an entry for this variant (Variation ID: 1467686). Algorithms developed to predict the effect of missense changes on protein structure and function are either unavailable or do not agree on the potential impact of this missense change (SIFT: "Deleterious"; PolyPhen-2: "Benign"; Align-GVGD: "Class C0"). In summary, the available evidence is currently insufficient to determine the role of this variant in disease. Therefore, it has been classified as a Variant of Uncertain Significance.

NM_198525.3(KIF7):c.962T>C (p.Val321Ala)

Gene: KIF7 (kinesin family member 7; minus strand). Cytogenetic location: 15q26.1.
Variant type: single nucleotide variant.
Coding change: c.962T>C on transcript NM_198525.3 (MANE Select); coding-DNA position 962, T replaced by C.
Protein change: p.Val321Ala; replaces valine 321 with alanine.
Molecular consequence: missense variant.
Genome position (GRCh38, 1-based): chr15:89,648,736, A>G on the plus strand (T>C on the coding strand, the complement: KIF7 is on the minus strand). VCF-style: chr15-89648736-A-G. GRCh37 (hg19) VCF-style: chr15-90191967-A-G.
Other names: c.962T>C (NM_198525.2); short protein forms V321A.
Identifiers: ClinVar variation 1467686 (VCV001467686.10), dbSNP rs913347544, ClinGen allele CA274582625.
Genomic context (GRCh38, chr15:89,648,736, plus strand): 5'-TTGAGGGTGTTGAGGGTCTCGTCGAAGTCGGAGGAGGAAGGGCTGACGCAGGCGATCATC[A>G]CCGTCTTGGCGTTCCCGCCCAGCGAGTCTTTGAGGATCCTGAGGGCGCGAGGGGGAGGCT-3'
Protein context (NP_940927.2, residues 311-331): KDSLGGNAKT[Val321Ala]MIACVSPSSS